The following is an entry in ClinVar:

ClinVar aggregate classification (germline): Uncertain significance (1 of 4 stars; one submission).

Conditions:
Aortic aneurysm, familial thoracic 7 (AAT7). Also called: AORTIC DISSECTION, FAMILIAL, WITH OR WITHOUT AORTIC ANEURYSM. Identifiers: MedGen C3151077, MONDO:0013418, OMIM 613780.

Allele frequency attached by ClinVar (database versions not stated): gnomAD exomes below 0.00001; ExAC 0.00001; gnomAD 0.00001.
gnomAD v4.1: 3 of 1,613,784 alleles (0.00019%); highest among the groups gnomAD compares: Non-Finnish European, 0.00025%; no homozygotes.

Submission:

Labcorp Genetics (formerly Invitae), Labcorp
Classification: Uncertain significance for Aortic aneurysm, familial thoracic 7. Last evaluated: 2025-03-29. Review status: criteria provided, single submitter. Criteria: Invitae Variant Classification Sherloc (09022015). Collection method: clinical testing. Allele origin: germline.
Comment: This sequence change replaces serine, which is neutral and polar, with tyrosine, which is neutral and polar, at codon 1617 of the MYLK protein (p.Ser1617Tyr). This variant is present in population databases (rs772551534, gnomAD 0.0009%). This missense change has been observed in individual(s) with clinical features of MYLK-related conditions (PMID: 29907982). ClinVar contains an entry for this variant (Variation ID: 2194282). Invitae Evidence Modeling of protein sequence and biophysical properties (such as structural, functional, and spatial information, amino acid conservation, physicochemical variation, residue mobility, and thermodynamic stability) indicates that this missense variant is not expected to disrupt MYLK protein function with a negative predictive value of 80%. In summary, the available evidence is currently insufficient to determine the role of this variant in disease. Therefore, it has been classified as a Variant of Uncertain Significance.

Literature cited by the submitters: PubMed 29907982.

NM_053025.4(MYLK):c.4850C>A (p.Ser1617Tyr)

Gene: MYLK (myosin light chain kinase; minus strand). Cytogenetic location: 3q21.1.
Variant type: single nucleotide variant.
Coding change: c.4850C>A on transcript NM_053025.4 (MANE Select); coding-DNA position 4850, C replaced by A.
Protein change: p.Ser1617Tyr; replaces serine 1617 with tyrosine.
Molecular consequence: missense variant.
Genome position (GRCh38, 1-based): chr3:123,638,182, G>T on the plus strand (C>A on the coding strand, the complement: MYLK is on the minus strand). VCF-style: chr3-123638182-G-T. GRCh37 (hg19) VCF-style: chr3-123357029-G-T.
Other names: c.4322C>A, p.Ser1441Tyr (NM_001321309.2); c.4643C>A, p.Ser1548Tyr (NM_053026.4, NM_053028.4); c.4850C>A, p.Ser1617Tyr (NM_053027.4); short protein forms S1441Y, S1548Y, S1617Y.
Identifiers: ClinVar variation 2194282 (VCV002194282.4), dbSNP rs772551534, ClinGen allele CA072189.